The following is an entry in ClinVar:

NM_000181.4(GUSB):c.764T>A (p.Leu255Gln)

Gene: GUSB (glucuronidase beta; minus strand). Cytogenetic location: 7q11.21.
Variant type: single nucleotide variant.
Coding change: c.764T>A on transcript NM_000181.4 (MANE Select); coding-DNA position 764, T replaced by A.
Protein change: p.Leu255Gln; replaces leucine 255 with glutamine.
Molecular consequence: missense variant. On other transcripts: non-coding transcript variant (1), intron variant (1).
Genome position (GRCh38, 1-based): chr7:65,976,163, A>T on the plus strand (T>A on the coding strand, the complement: GUSB is on the minus strand). VCF-style: chr7-65976163-A-T. GRCh37 (hg19) VCF-style: chr7-65441150-A-T.
Other names: c.764T>A (NM_000181.3); c.194T>A, p.Leu65Gln (NM_001293104.2); c.107T>A, p.Leu36Gln (NM_001293105.2); c.475-1092T>A (NM_001284290.2); short protein forms L255Q, L65Q, L36Q.
Identifiers: ClinVar variation 1047447 (VCV001047447.6), dbSNP rs140709901, ClinGen allele CA4276519.

ClinVar aggregate classification (germline): Conflicting classifications of pathogenicity. Review status: criteria provided, conflicting classifications (1 of 4 stars). 2 submissions from 2 submitters: Uncertain significance (1); Likely benign (1). Last evaluated 2025-11-10.

Conditions:
GUSB-related disorder. Also called: GUSB-related condition.
Mucopolysaccharidosis type 7 (MPS7). Also called: BETA-GLUCURONIDASE DEFICIENCY; GUSB DEFICIENCY; MPS VII; SLY SYNDROME. Identifiers: Orphanet 584, MedGen C0085132, MONDO:0009662, OMIM 253220.

Allele frequency attached by ClinVar (database versions not stated): ExAC 0.00018; gnomAD 0.00056 and 0.00063; TOPMed 0.00057; ESP Exome Variant Server 0.00092.
gnomAD v4.1: 138 of 1,613,480 alleles (0.0086%); highest among the groups gnomAD compares: African/African-American, 0.18%; no homozygotes.

Submissions (2):

PreventionGenetics, part of Exact Sciences
Classification: Likely benign for GUSB-related condition. Last evaluated: 2025-11-10. Review status: criteria provided, single submitter. Criteria: ACMG Guidelines, 2015. Collection method: clinical testing. Allele origin: germline.
Comment: This variant is classified as likely benign based on ACMG/AMP sequence variant interpretation guidelines (Richards et al. 2015 PMID: 25741868, with internal and published modifications).

Labcorp Genetics (formerly Invitae), Labcorp
Classification: Uncertain significance for Mucopolysaccharidosis type 7. Last evaluated: 2022-07-25. Review status: criteria provided, single submitter. Criteria: Invitae Variant Classification Sherloc (09022015). Collection method: clinical testing. Allele origin: germline.
Comment: This sequence change replaces leucine, which is neutral and non-polar, with glutamine, which is neutral and polar, at codon 255 of the GUSB protein (p.Leu255Gln). This variant is present in population databases (rs140709901, gnomAD 0.2%). This variant has not been reported in the literature in individuals affected with GUSB-related conditions. ClinVar contains an entry for this variant (Variation ID: 1047447). Algorithms developed to predict the effect of missense changes on protein structure and function output the following: SIFT: "Tolerated"; PolyPhen-2: "Benign"; Align-GVGD: "Class C0". The glutamine amino acid residue is found in multiple mammalian species, which suggests that this missense change does not adversely affect protein function. In summary, the available evidence is currently insufficient to determine the role of this variant in disease. Therefore, it has been classified as a Variant of Uncertain Significance.